The following is an entry in ClinVar:

ClinVar aggregate classification (germline): Uncertain significance (1 of 4 stars; one submission).

Conditions:
Inborn genetic diseases. Identifiers: MedGen C0950123, MeSH D030342.

Submission:

Ambry Genetics
Classification: Uncertain significance for Inborn genetic diseases. Last evaluated: 2025-06-23. Review status: criteria provided, single submitter. Criteria: Ambry Variant Classification Scheme 2023. Collection method: clinical testing. Allele origin: germline.
Comment: The p.V308F variant (also known as c.922G>T), located in coding exon 7 of the BMPR2 gene, results from a G to T substitution at nucleotide position 922. The valine at codon 308 is replaced by phenylalanine, an amino acid with highly similar properties. This amino acid position is conserved. In addition, this alteration is predicted to be deleterious by in silico analysis. Based on the available evidence, the clinical significance of this variant remains unclear.

NM_001204.7(BMPR2):c.922G>T (p.Val308Phe)

Gene: BMPR2 (bone morphogenetic protein receptor type 2; plus strand). Cytogenetic location: 2q33.2.
Variant type: single nucleotide variant.
Coding change: c.922G>T on transcript NM_001204.7 (MANE Select); coding-DNA position 922, G replaced by T.
Protein change: p.Val308Phe; replaces valine 308 with phenylalanine.
Molecular consequence: missense variant.
Genome position (GRCh38, 1-based): chr2:202,520,156, G>T. VCF-style: chr2-202520156-G-T. GRCh37 (hg19) VCF-style: chr2-203384879-G-T.
Other names: short protein forms V308F.
Identifiers: ClinVar variation 4214415 (VCV004214415.1).
Genomic context (GRCh38, chr2:202,520,156, plus strand): 5'-TGCAAGTATTTAAGTCTCCACACAAGTGACTGGGTAAGCTCTTGCCGTCTTGCTCATTCT[G>T]TTACTAGAGGACTGGCTTATCTTCACACAGAATTACCACGAGGAGGTAAGATAGTCAATA-3'
Protein context (NP_001195.2, residues 298-318): WVSSCRLAHS[Val308Phe]TRGLAYLHTE